The following is an entry in ClinVar:

NM_000760.4(CSF3R):c.1726G>A (p.Ala576Thr)

Gene: CSF3R (colony stimulating factor 3 receptor; minus strand). Cytogenetic location: 1p34.3.
Variant type: single nucleotide variant.
Coding change: c.1726G>A on transcript NM_000760.4 (MANE Select); coding-DNA position 1726, G replaced by A.
Protein change: p.Ala576Thr; replaces alanine 576 with threonine.
Molecular consequence: missense variant.
Genome position (GRCh38, 1-based): chr1:36,467,960, C>T on the plus strand (G>A on the coding strand, the complement: CSF3R is on the minus strand). VCF-style: chr1-36467960-C-T. GRCh37 (hg19) VCF-style: chr1-36933561-C-T.
Other names: c.1726G>A, p.Ala576Thr (NM_156039.3, NM_172313.3); short protein forms A576T.
Identifiers: ClinVar variation 1409868 (VCV001409868.7), dbSNP rs373888342, ClinGen allele CA769086.
Genomic context (GRCh38, chr1:36,467,960, plus strand): 5'-ACAGACTGGCGGGCTCCAGGCCATGGAGGACAAAGCCACGGGAGGAGGCATTCAGGATGG[C>T]GGCTGGGAGGGGTGTACGGTCAGCATAGGCCTGGATGGTAAAGCTGCCTCCGTGGCAGCT-3'
Protein context (NP_000751.1, residues 566-586): WTNAQNQSFS[Ala576Thr]ILNASSRGFV

ClinVar aggregate classification (germline): Uncertain significance (1 of 4 stars; one submission).

Conditions:
Autosomal recessive severe congenital neutropenia due to CSF3R deficiency. Also called: Neutropenia, severe congenital, 7, autosomal recessive. Identifiers: Orphanet 420702, MedGen C4310764, MONDO:0014865, OMIM 617014.

Allele frequency attached by ClinVar (database versions not stated): gnomAD exomes 0.00001; ExAC 0.00002; TOPMed 0.00003; gnomAD 0.00004 and 0.00005; ESP Exome Variant Server 0.00008.

Submission:

Labcorp Genetics (formerly Invitae), Labcorp
Classification: Uncertain significance for Autosomal recessive severe congenital neutropenia due to CSF3R deficiency. Last evaluated: 2024-06-08. Review status: criteria provided, single submitter. Criteria: Invitae Variant Classification Sherloc (09022015). Collection method: clinical testing. Allele origin: germline.
Comment: This sequence change replaces alanine, which is neutral and non-polar, with threonine, which is neutral and polar, at codon 576 of the CSF3R protein (p.Ala576Thr). This variant is present in population databases (rs373888342, gnomAD 0.01%). This variant has not been reported in the literature in individuals affected with CSF3R-related conditions. ClinVar contains an entry for this variant (Variation ID: 1409868). Algorithms developed to predict the effect of missense changes on protein structure and function output the following: SIFT: "Not Available"; PolyPhen-2: "Benign"; Align-GVGD: "Not Available". The threonine amino acid residue is found in multiple mammalian species, which suggests that this missense change does not adversely affect protein function. In summary, the available evidence is currently insufficient to determine the role of this variant in disease. Therefore, it has been classified as a Variant of Uncertain Significance.